The following is an entry in ClinVar:

NM_000875.5(IGF1R):c.761A>T (p.Tyr254Phe)

Gene: IGF1R (insulin like growth factor 1 receptor; plus strand). Cytogenetic location: 15q26.3.
Variant type: single nucleotide variant.
Coding change: c.761A>T on transcript NM_000875.5 (MANE Select); coding-DNA position 761, A replaced by T.
Protein change: p.Tyr254Phe; replaces tyrosine 254 with phenylalanine.
Molecular consequence: missense variant.
Genome position (GRCh38, 1-based): chr15:98,891,445, A>T. VCF-style: chr15-98891445-A-T. GRCh37 (hg19) VCF-style: chr15-99434674-A-T.
Other names: c.761A>T, p.Tyr254Phe (NM_001291858.2); short protein forms Y254F.
Identifiers: ClinVar variation 2645732 (VCV002645732.24), dbSNP rs2151644479, ClinGen allele CA393665410.

ClinVar aggregate classification (germline): Uncertain significance (1 of 4 stars; one submission).

Allele frequency attached by ClinVar (database versions not stated): gnomAD exomes below 0.00001.
gnomAD v4.1: 2 of 1,613,822 alleles (0.00012%); highest among the groups gnomAD compares: Non-Finnish European, 0.00017%; no homozygotes.

Submission:

CeGaT Center for Human Genetics Tuebingen
Classification: Uncertain significance. Last evaluated: 2023-09-01. Review status: criteria provided, single submitter. Criteria: CeGaT Center For Human Genetics Tuebingen Variant Classification Criteria Version 2. Collection method: clinical testing. Allele origin: germline. Affected: yes. Observed: 1 variant allele.
Comment: IGF1R: PM2